The following is an entry in ClinVar:

ClinVar aggregate classification (germline): Benign. Review status: criteria provided, multiple submitters, no conflicts (2 of 4 stars). 2 submissions from 2 submitters: Benign (2). Last evaluated 2018-06-16.

Conditions:
Legius syndrome. Identifiers: Orphanet 137605, MedGen C1969623, MONDO:0012669, OMIM 611431. Disease mechanism: loss of function.

Allele frequency attached by ClinVar (database versions not stated): 1000 Genomes Project 0.04413; gnomAD 0.04503 and 0.04191; TOPMed 0.04715; 1000 Genomes Project 30x 0.04763; gnomAD exomes 0.00482.
gnomAD v4.1: 8,503 of 576,160 alleles (1.5%); highest among the groups gnomAD compares: African/African-American, 14%; 588 homozygotes.

Submissions (2):

GeneDx
Classification: Benign. Last evaluated: 2018-06-16. Review status: criteria provided, single submitter. Criteria: GeneDx Variant Classification Process June 2021. Collection method: clinical testing. Allele origin: germline. Affected: yes.

Illumina Laboratory Services, Illumina
Classification: Benign for Legius syndrome. Last evaluated: 2018-01-12. Review status: criteria provided, single submitter. Criteria: ICSL Variant Classification Criteria 13 December 2019. Collection method: clinical testing. Allele origin: germline.
Comment: This variant was observed in the ICSL laboratory as part of a predisposition screen in an ostensibly healthy population. It had not been previously curated by ICSL or reported in the Human Gene Mutation Database (HGMD: prior to June 1st, 2018), and was therefore a candidate for classification through an automated scoring system. Utilizing variant allele frequency, disease prevalence and penetrance estimates, and inheritance mode, an automated score was calculated to assess if this variant is too frequent to cause the disease. Based on the score and internal cut-off values, a variant classified as benign is not then subjected to further curation. The score for this variant resulted in a classification of benign for this disease.

NM_152594.3(SPRED1):c.*248T>C

Gene: SPRED1 (sprouty related EVH1 domain containing 1; plus strand). Cytogenetic location: 15q14.
Variant type: single nucleotide variant.
Coding change: c.*248T>C on transcript NM_152594.3 (MANE Select); 248 bases downstream of the stop codon, T replaced by C.
Molecular consequence: 3 prime UTR variant.
Genome position (GRCh38, 1-based): chr15:38,351,912, T>C. VCF-style: chr15-38351912-T-C. GRCh37 (hg19) VCF-style: chr15-38644113-T-C.
Identifiers: ClinVar variation 315740 (VCV000315740.7), dbSNP rs16966842, ClinGen allele CA10646890.